The following is an entry in ClinVar:

NM_000558.5(HBA1):c.2del (p.Met1fs)

Genes: HBA1 (hemoglobin subunit alpha 1; plus strand), LOC106804613 (hemoglobin subunit alpha 1 recombination region; plus strand). Cytogenetic location: 16p13.3.
Variant type: Deletion.
Coding change: c.2del on transcript NM_000558.5 (MANE Select); coding-DNA position 2, one base deleted (T; older notation c.2delT).
Protein change: p.Met1fs; shifts the reading frame from methionine 1.
Molecular consequence: frameshift variant, initiator codon variant.
Genome position (GRCh38, 1-based): chr16:176,718, T deleted. VCF-style (leftmost placement, unchanged base first): chr16-176717-AT-A. GRCh37 (hg19) VCF-style: chr16-226716-AT-A.
Other names: c.2delT (NM_000558.4); short protein forms M1fs.
Identifiers: ClinVar variation 1162201 (VCV001162201.3), dbSNP rs1298047912, ClinGen allele CA718605821.

ClinVar aggregate classification (germline): Likely pathogenic. Review status: criteria provided, multiple submitters, no conflicts (2 of 4 stars). 2 submissions from 2 submitters: Likely pathogenic (2). Last evaluated 2025-08-14.

Conditions:
alpha Thalassemia. Also called: Alpha thalassemia spectrum. Identifiers: Orphanet 846, MedGen C0002312, MONDO:0011399, OMIM 604131.

Allele frequency attached by ClinVar (database versions not stated): TOPMed 0.00001.

Submissions (2):

Natera, Inc.
Classification: Likely pathogenic for Alpha thalassemia. Last evaluated: 2025-08-14. Review status: criteria provided, single submitter. Criteria: Natera Variant Classification Schema (03/2026). Collection method: clinical testing. Allele origin: germline.
Comment: The c.2delT variant in HBA1 is predicted to result in start loss due to disruption of the initiator methionine. This variant is expected to result in nonsense mediated decay, truncation, or a dysfunctional protein product. This variant is rare in the general population with a frequency below the threshold expected for the associated phenotype(s). Given the available evidence, this variant is classified as Likely Pathogenic.

NxGen MDx
Classification: Likely pathogenic for alpha Thalassemia. Last evaluated: 2019-12-30. Review status: criteria provided, single submitter. Criteria: ACMG Guidelines, 2015. Collection method: clinical testing. Allele origin: unknown.
Comment: This null variant (c.2del) is predicted to result in start loss in a gene where loss-of-function is a known mechanism of disease (PVS1). This variant is not found in gnomAD databases (PM2) and is not referenced in the literature. An alternate variant that results in the loss of the initiator methionine, c.2T>A, p.Met1Lys, has been described by Waye et al. (PMID: 27821014) and Shang et al. (PMID 28865746) in association with alpha thalassemia. We interpret c.2del to be likely pathogenic.

Literature cited by the submitters: PubMed 27821014 (cited by NxGen MDx); PubMed 28865746 (cited by NxGen MDx).